The following is an entry in ClinVar:

ClinVar aggregate classification (germline): Uncertain significance (1 of 4 stars; one submission).

Submission:

GeneDx
Classification: Uncertain significance. Last evaluated: 2024-08-30. Review status: criteria provided, single submitter. Criteria: GeneDx Variant Classification Process June 2021. Collection method: clinical testing. Allele origin: germline. Affected: yes.
Comment: Not observed at significant frequency in large population cohorts (gnomAD); In silico analysis indicates that this missense variant does not alter protein structure/function; Has not been previously published as pathogenic or benign to our knowledge

NM_015001.3(SPEN):c.8087C>T (p.Pro2696Leu)

Gene: SPEN (spen family transcriptional repressor; plus strand). Cytogenetic location: 1p36.13.
Variant type: single nucleotide variant.
Coding change: c.8087C>T on transcript NM_015001.3 (MANE Select); coding-DNA position 8087, C replaced by T.
Protein change: p.Pro2696Leu; replaces proline 2696 with leucine.
Molecular consequence: missense variant.
Genome position (GRCh38, 1-based): chr1:15,934,327, C>T. VCF-style: chr1-15934327-C-T. GRCh37 (hg19) VCF-style: chr1-16260822-C-T.
Other names: short protein forms P2696L.
Identifiers: ClinVar variation 3765985 (VCV003765985.1).